The following is an entry in ClinVar:

ClinVar aggregate classification (germline): Uncertain significance (1 of 4 stars; one submission).

Conditions:
Inborn genetic diseases. Identifiers: MedGen C0950123, MeSH D030342.

Submission:

Ambry Genetics
Classification: Uncertain significance for Inborn genetic diseases. Last evaluated: 2026-07-13. Review status: criteria provided, single submitter. Criteria: Ambry Variant Classification Scheme 2023. Collection method: clinical testing. Allele origin: germline.
Comment: The p.A515T variant (also known as c.1543G>A), located in coding exon 12 of the FANCG gene, results from a G to A substitution at nucleotide position 1543. The alanine at codon 515 is replaced by threonine, an amino acid with similar properties. This amino acid position is conserved. In addition, this alteration is predicted to be tolerated by in silico analysis. Based on the available evidence, the clinical significance of this variant remains unclear.

NM_004629.2(FANCG):c.1543G>A (p.Ala515Thr)

Gene: FANCG (FA complementation group G; minus strand). Cytogenetic location: 9p13.3.
Variant type: single nucleotide variant.
Coding change: c.1543G>A on transcript NM_004629.2 (MANE Select); coding-DNA position 1543, G replaced by A.
Protein change: p.Ala515Thr; replaces alanine 515 with threonine.
Molecular consequence: missense variant.
Genome position (GRCh38, 1-based): chr9:35,075,020, C>T on the plus strand (G>A on the coding strand, the complement: FANCG is on the minus strand). VCF-style: chr9-35075020-C-T. GRCh37 (hg19) VCF-style: chr9-35075017-C-T.
Other names: short protein forms A515T.
Identifiers: ClinVar variation 5036506 (VCV005036506.1).
Genomic context (GRCh38, chr9:35,075,020, plus strand): 5'-GTAAGGCTTTGGTATCCTGGCCGCTGGCTACCCATTCCAGTCCACGACTAATTAGGGCGG[C>T]TGCCCGAAGCTGCTGCAGTGCCGCATCTGACTTACATCCCTGCTCACAGTTGAAAGCTGC-3'
Protein context (NP_004620.1, residues 505-525): SDAALQQLRA[Ala515Thr]ALISRGLEWV